The following is an entry in ClinVar:

NM_014251.3(SLC25A13):c.73G>A (p.Ala25Thr)

Gene: SLC25A13 (solute carrier family 25 member 13; minus strand). Cytogenetic location: 7q21.3.
Variant type: single nucleotide variant.
Coding change: c.73G>A on transcript NM_014251.3 (MANE Select); coding-DNA position 73, G replaced by A.
Protein change: p.Ala25Thr; replaces alanine 25 with threonine.
Molecular consequence: missense variant. On other transcripts: non-coding transcript variant (1).
Genome position (GRCh38, 1-based): chr7:96,277,335, C>T on the plus strand (G>A on the coding strand, the complement: SLC25A13 is on the minus strand). VCF-style: chr7-96277335-C-T. GRCh37 (hg19) VCF-style: chr7-95906647-C-T.
Other names: c.73G>A, p.Ala25Thr (NM_001160210.2); short protein forms A25T.
Identifiers: ClinVar variation 1209794 (VCV001209794.8), dbSNP rs759288496, ClinGen allele CA4353390.

ClinVar aggregate classification (germline): Uncertain significance. Review status: criteria provided, multiple submitters, no conflicts (2 of 4 stars). 3 submissions from 2 submitters: Uncertain significance (3). Last evaluated 2023-07-17.

Conditions:
Citrullinemia, type II, adult-onset (CDAA). Also called: CITRIN DEFICIENCY, ADOLESCENT OR ADULT ONSET. Identifiers: Orphanet 247585, MedGen CN295299, MONDO:0011326, OMIM 603471.
Neonatal intrahepatic cholestasis due to citrin deficiency (CDNI). Also called: Neonatal-onset citrullinemia type II; Neonatal-onset citrullinemia type 2; Neonatal Intrahepatic Cholestasis Caused by Citrin Deficiency (NICCD); CITRIN DEFICIENCY, NEONATAL OR INFANTILE ONSET. Identifiers: Orphanet 247598, MedGen C1853942, MONDO:0011601, OMIM 605814.
Citrin deficiency. Identifiers: Orphanet 247582, MedGen C1997910, MONDO:0016602.

Allele frequency attached by ClinVar (database versions not stated): gnomAD exomes 0.00001; gnomAD 0.00001; ExAC 0.00003; TOPMed below 0.00001.
gnomAD v4.1: 10 of 1,611,394 alleles (0.00062%); highest among the groups gnomAD compares: South Asian, 0.0033%; no homozygotes.

Submissions (3):

Labcorp Genetics (formerly Invitae), Labcorp
Classification: Uncertain significance for Citrin deficiency. Last evaluated: 2023-07-17. Review status: criteria provided, single submitter. Criteria: Invitae Variant Classification Sherloc (09022015). Collection method: clinical testing. Allele origin: germline.
Comment: In summary, the available evidence is currently insufficient to determine the role of this variant in disease. Therefore, it has been classified as a Variant of Uncertain Significance. Advanced modeling of protein sequence and biophysical properties (such as structural, functional, and spatial information, amino acid conservation, physicochemical variation, residue mobility, and thermodynamic stability) performed at Invitae indicates that this missense variant is expected to disrupt SLC25A13 protein function. ClinVar contains an entry for this variant (Variation ID: 1209794). This variant has not been reported in the literature in individuals affected with SLC25A13-related conditions. This variant is present in population databases (rs759288496, gnomAD 0.003%). This sequence change replaces alanine, which is neutral and non-polar, with threonine, which is neutral and polar, at codon 25 of the SLC25A13 protein (p.Ala25Thr).

Genome-Nilou Lab
Classification: Uncertain significance for Citrullinemia, type II, adult-onset. Last evaluated: 2021-07-22. Review status: criteria provided, single submitter. Criteria: ACMG Guidelines, 2015. Collection method: clinical testing. Allele origin: germline. Affected: no.

Genome-Nilou Lab
Classification: Uncertain significance for Neonatal intrahepatic cholestasis due to citrin deficiency. Last evaluated: 2021-07-22. Review status: criteria provided, single submitter. Criteria: ACMG Guidelines, 2015. Collection method: clinical testing. Allele origin: germline. Affected: no.